The following is an entry in ClinVar:

NM_004995.4(MMP14):c.1744G>T (p.Val582Phe)

Gene: MMP14 (matrix metallopeptidase 14; plus strand). Cytogenetic location: 14q11.2.
Variant type: single nucleotide variant.
Coding change: c.1744G>T on transcript NM_004995.4 (MANE Select); coding-DNA position 1744, G replaced by T.
Protein change: p.Val582Phe; replaces valine 582 with phenylalanine.
Molecular consequence: missense variant.
Genome position (GRCh38, 1-based): chr14:22,846,034, G>T. VCF-style: chr14-22846034-G-T. GRCh37 (hg19) VCF-style: chr14-23315243-G-T.
Other names: short protein forms V582F.
Identifiers: ClinVar variation 4767030 (VCV004767030.1).

ClinVar aggregate classification (germline): Uncertain significance (1 of 4 stars; one submission).

gnomAD v4.1: 7 of 1,476,148 alleles (0.00047%); highest among the groups gnomAD compares: Non-Finnish European, 0.00063%; no homozygotes.

Submission:

Labcorp Genetics (formerly Invitae), Labcorp
Classification: Uncertain significance. Last evaluated: 2025-08-24. Review status: criteria provided, single submitter. Criteria: Invitae Variant Classification Sherloc (09022015). Collection method: clinical testing. Allele origin: germline.
Comment: This sequence change replaces valine, which is neutral and non-polar, with phenylalanine, which is neutral and non-polar, at codon 582 of the MMP14 protein (p.Val582Phe). This variant is not present in population databases (gnomAD no frequency). This variant has not been reported in the literature in individuals affected with MMP14-related conditions. An algorithm developed to predict the effect of missense changes on protein structure and function (PolyPhen-2) suggests that this variant is likely to be disruptive. Algorithms developed to predict the effect of sequence changes on RNA splicing suggest that this variant may create or strengthen a splice site. In summary, the available evidence is currently insufficient to determine the role of this variant in disease. Therefore, it has been classified as a Variant of Uncertain Significance.